The following is an entry in ClinVar:

ClinVar aggregate classification (germline): Conflicting classifications of pathogenicity. Review status: criteria provided, conflicting classifications (1 of 4 stars). 5 submissions from 5 submitters: Uncertain significance (4); Likely benign (1). Last evaluated 2026-01-26.

Conditions:
Colorectal cancer, susceptibility to, 12 (CRCS12). Also called: COLORECTAL CANCER, SUSCEPTIBILITY TO, ON CHROMOSOME 12q24. Identifiers: Orphanet 220460, MedGen C3554460, MONDO:0014038, OMIM 615083.
Facial dysmorphism-immunodeficiency-livedo-short stature syndrome. Also called: Facial dysmorphism, immunodeficiency, livedo, and short stature; FILS syndrome. Identifiers: Orphanet 352712, MedGen C3554576, MONDO:0014058, OMIM 615139.
Intrauterine growth retardation, metaphyseal dysplasia, adrenal hypoplasia congenita, genital anomalies, and immunodeficiency. Also called: IMAGEI SYNDROME. Identifiers: MedGen C5193036, MONDO:0032684, OMIM 618336.
Hereditary cancer-predisposing syndrome. Also called: Tumor predisposition; Neoplastic Syndromes, Hereditary; Hereditary Cancer Syndrome; Hereditary neoplastic syndrome. Identifiers: Orphanet 140162, MedGen C0027672, MeSH D009386, MONDO:0015356.

Allele frequency attached by ClinVar (database versions not stated): ExAC 0.00001; gnomAD 0.00004; gnomAD exomes 0.00002; TOPMed 0.00003; ESP Exome Variant Server 0.00008.
gnomAD v4.1: 53 of 1,613,878 alleles (0.0033%); highest among the groups gnomAD compares: East Asian, 0.0067%; no homozygotes.

Submissions (5):

Labcorp Genetics (formerly Invitae), Labcorp
Classification: Uncertain significance. Last evaluated: 2026-01-26. Review status: criteria provided, single submitter. Criteria: Invitae Variant Classification Sherloc (09022015). Collection method: clinical testing. Allele origin: germline.
Comment: This sequence change replaces alanine, which is neutral and non-polar, with threonine, which is neutral and polar, at codon 1260 of the POLE protein (p.Ala1260Thr). This variant is present in population databases (rs143858927, gnomAD 0.006%). This variant has not been reported in the literature in individuals affected with POLE-related conditions. ClinVar contains an entry for this variant (Variation ID: 240478). Invitae Evidence Modeling of protein sequence and biophysical properties (such as structural, functional, and spatial information, amino acid conservation, physicochemical variation, residue mobility, and thermodynamic stability) indicates that this missense variant is not expected to disrupt POLE protein function with a negative predictive value of 80%. In summary, the available evidence is currently insufficient to determine the role of this variant in disease. Therefore, it has been classified as a Variant of Uncertain Significance.

Ambry Genetics
Classification: Likely benign for Hereditary cancer-predisposing syndrome. Last evaluated: 2025-02-14. Review status: criteria provided, single submitter. Criteria: Ambry Variant Classification Scheme 2023. Collection method: clinical testing. Allele origin: germline.

GeneDx
Classification: Uncertain significance. Last evaluated: 2024-04-05. Review status: criteria provided, single submitter. Criteria: GeneDx Variant Classification Process June 2021. Collection method: clinical testing. Allele origin: germline. Affected: yes.
Comment: In silico analysis indicates that this missense variant does not alter protein structure/function; Has not been previously published as pathogenic or benign to our knowledge

Fulgent Genetics
Classification: Uncertain significance for Colorectal cancer, susceptibility to, 12; Facial dysmorphism-immunodeficiency-livedo-short stature syndrome; Intrauterine growth retardation, metaphyseal dysplasia, adrenal hypoplasia congenita, genital anomalies, and immunodeficiency. Last evaluated: 2024-03-09. Review status: criteria provided, single submitter. Criteria: ACMG Guidelines, 2015. Collection method: clinical testing. Allele origin: germline.

Quest Diagnostics Nichols Institute San Juan Capistrano
Classification: Uncertain significance. Last evaluated: 2018-07-13. Review status: criteria provided, single submitter. Criteria: Quest Diagnostics criteria. Collection method: clinical testing. Allele origin: germline.

NM_006231.4(POLE):c.3778G>A (p.Ala1260Thr)

Gene: POLE (DNA polymerase epsilon, catalytic subunit; minus strand). Cytogenetic location: 12q24.33.
Variant type: single nucleotide variant.
Coding change: c.3778G>A on transcript NM_006231.4 (MANE Select); coding-DNA position 3778, G replaced by A.
Protein change: p.Ala1260Thr; replaces alanine 1260 with threonine.
Molecular consequence: missense variant.
Genome position (GRCh38, 1-based): chr12:132,649,694, C>T on the plus strand (G>A on the coding strand, the complement: POLE is on the minus strand). VCF-style: chr12-132649694-C-T. GRCh37 (hg19) VCF-style: chr12-133226280-C-T.
Other names: short protein forms A1260T.
Identifiers: ClinVar variation 240478 (VCV000240478.23), dbSNP rs143858927, ClinGen allele CA6893116.